The following is an entry in ClinVar:

ClinVar aggregate classification (germline): Uncertain significance (1 of 4 stars; one submission).

Conditions:
Intellectual developmental disorder, autosomal recessive 1. Also called: MENTAL RETARDATION, AUTOSOMAL RECESSIVE 1; Intellectual disability, autosomal recessive 1. Identifiers: Orphanet 88616, MedGen C1855304, MONDO:0009580, OMIM 249500.

Submission:

Juno Genomics, Hangzhou Juno Genomics, Inc
Classification: Uncertain significance for Intellectual developmental disorder, autosomal recessive 1. Review status: criteria provided, single submitter. Criteria: ACMG Guidelines, 2015. Collection method: clinical testing. Allele origin: germline.
Comment: Absent from controls (or at extremely low frequency if recessive) in Genome Aggregation Database.

NM_003619.4(PRSS12):c.905del (p.Gly302fs)

Gene: PRSS12 (serine protease 12; minus strand). Cytogenetic location: 4q26.
Variant type: Deletion.
Coding change: c.905del on transcript NM_003619.4 (MANE Select); coding-DNA position 905, one base deleted (G; older notation c.905delG).
Protein change: p.Gly302fs; shifts the reading frame from glycine 302.
Molecular consequence: frameshift variant.
Genome position (GRCh38, 1-based): chr4:118,331,782, C deleted on the plus strand (G on the coding strand, the reverse complement: PRSS12 is on the minus strand); the first of 4 consecutive C bases (chr4:118,331,782-118,331,785); deleting any one gives the same sequence. VCF-style (leftmost placement, unchanged base first): chr4-118331781-TC-T. GRCh37 (hg19) VCF-style: chr4-119252936-TC-T.
Other names: c.905del, p.Gly302fs (NM_001440549.1, NM_001440550.1, NM_001440551.1); short protein forms G302fs.
Identifiers: ClinVar variation 5006718 (VCV005006718.2).